The following is an entry in ClinVar:

NM_001079537.2(TRAPPC6B):c.93A>G (p.Arg31=)

Gene: TRAPPC6B (trafficking protein particle complex subunit 6B; minus strand). Cytogenetic location: 14q21.1.
Variant type: single nucleotide variant.
Coding change: c.93A>G on transcript NM_001079537.2 (MANE Select); coding-DNA position 93, A replaced by G.
Protein change: p.Arg31=; no amino-acid change (arginine 31 retained).
Molecular consequence: synonymous variant.
Genome position (GRCh38, 1-based): chr14:39,159,539, T>C on the plus strand (A>G on the coding strand, the complement: TRAPPC6B is on the minus strand). VCF-style: chr14-39159539-T-C. GRCh37 (hg19) VCF-style: chr14-39628743-T-C.
Other names: NC_000014.8:g.39628743T>C; c.93A>G, p.Arg31= (NM_177452.4).
Identifiers: ClinVar variation 2672559 (VCV002672559.24), dbSNP rs760834484, ClinGen allele CA7162864.

ClinVar aggregate classification (germline): Likely benign (1 of 4 stars; one submission).

Allele frequency attached by ClinVar (database versions not stated): ExAC 0.00002; gnomAD exomes 0.00002; TOPMed 0.00003; gnomAD 0.00005.
gnomAD v4.1: 41 of 1,603,350 alleles (0.0026%); highest among the groups gnomAD compares: Middle Eastern, 0.017%; no homozygotes.

Submissions (2):

CeGaT Center for Human Genetics Tuebingen
Classification: Likely benign. Last evaluated: 2023-11-01. Review status: criteria provided, single submitter. Criteria: CeGaT Center For Human Genetics Tuebingen Variant Classification Criteria Version 2. Collection method: clinical testing. Allele origin: germline. Affected: yes. Observed: 1 variant allele.
Comment: TRAPPC6B: BP4, BP7

Dr. Peter K. Rogan Lab, Western University
No classification provided (evidence only). Condition: Sarcoma. Review status: no classification provided. Collection method: in vitro. Allele origin: not applicable. Functional consequence: retained intron. Not counted in ClinVar's aggregate classification.